The following is an entry in ClinVar:

NM_001160148.2(DDHD1):c.1895G>T (p.Arg632Leu)

Gene: DDHD1 (DDHD domain containing 1; minus strand). Cytogenetic location: 14q22.1.
Variant type: single nucleotide variant.
Coding change: c.1895G>T on transcript NM_001160148.2 (MANE Select); coding-DNA position 1895, G replaced by T.
Protein change: p.Arg632Leu; replaces arginine 632 with leucine.
Molecular consequence: missense variant.
Genome position (GRCh38, 1-based): chr14:53,058,574, C>A on the plus strand (G>T on the coding strand, the complement: DDHD1 is on the minus strand). VCF-style: chr14-53058574-C-A. GRCh37 (hg19) VCF-style: chr14-53525292-C-A.
Other names: p.Arg639Leu; c.1916G>T, p.Arg639Leu (NM_001160147.2); c.1895G>T, p.Arg632Leu (NM_030637.3); short protein forms R632L, R639L.
Identifiers: ClinVar variation 4541831 (VCV004541831.1).
Genomic context (GRCh38, chr14:53,058,574, plus strand): 5'-TTACAAATCTCTCTAGGCAAAATATGGTCTTGACTTCCAGTATTTCCTGGGCGGATGCCA[C>A]GCAACGCCAAGAAAACTGCTAATGGGGATCCCATACAGAAGAAATTCTCAACCTAAAATG-3'
Protein context (NP_001153620.1, residues 622-642): GSPLAVFLAL[Arg632Leu]GIRPGNTGSQ

ClinVar aggregate classification (germline): Uncertain significance (1 of 4 stars; one submission).

Submission:

Mayo Clinic Laboratories, Mayo Clinic
Classification: Uncertain significance. Last evaluated: 2025-02-01. Review status: criteria provided, single submitter. Criteria: ACMG Guidelines, 2015. Collection method: clinical testing. Allele origin: germline. Observed: 1 variant allele.
Comment: PP3, PM2_supporting